The following is an entry in ClinVar:

NM_001379500.1(COL18A1):c.193G>A (p.Gly65Arg)

Gene: COL18A1 (collagen type XVIII alpha 1 chain; plus strand). Cytogenetic location: 21q22.3.
Variant type: single nucleotide variant.
Coding change: c.193G>A on transcript NM_001379500.1 (MANE Select); coding-DNA position 193, G replaced by A.
Protein change: p.Gly65Arg; replaces glycine 65 with arginine.
Molecular consequence: missense variant.
Genome position (GRCh38, 1-based): chr21:45,468,328, G>A. VCF-style: chr21-45468328-G-A. GRCh37 (hg19) VCF-style: chr21-46888242-G-A.
Other names: c.733G>A, p.Gly245Arg (NM_030582.4); c.1438G>A, p.Gly480Arg (NM_130444.3); short protein forms G245R, G65R, G480R.
Identifiers: ClinVar variation 1401575 (VCV001401575.6), dbSNP rs771267104, ClinGen allele CA10065696.

ClinVar aggregate classification (germline): Uncertain significance. Review status: criteria provided, multiple submitters, no conflicts (2 of 4 stars). 2 submissions from 2 submitters: Uncertain significance (2). Last evaluated 2025-05-14.

Allele frequency attached by ClinVar (database versions not stated): gnomAD 0.00001 and 0.00002; gnomAD exomes 0.00001; TOPMed 0.00002; ExAC 0.00003.
gnomAD v4.1: 17 of 1,613,366 alleles (0.0011%); highest among the groups gnomAD compares: East Asian, 0.0067%; no homozygotes.

Submissions (2):

Labcorp Genetics (formerly Invitae), Labcorp
Classification: Uncertain significance. Last evaluated: 2025-05-14. Review status: criteria provided, single submitter. Criteria: Invitae Variant Classification Sherloc (09022015). Collection method: clinical testing. Allele origin: germline.
Comment: This sequence change replaces glycine, which is neutral and non-polar, with arginine, which is basic and polar, at codon 65 of the COL18A1 protein (p.Gly65Arg). This variant is present in population databases (rs771267104, gnomAD 0.005%). This variant has not been reported in the literature in individuals affected with COL18A1-related conditions. ClinVar contains an entry for this variant (Variation ID: 1401575). Experimental studies and prediction algorithms are not available or were not evaluated, and the functional significance of this variant is currently unknown. In summary, the available evidence is currently insufficient to determine the role of this variant in disease. Therefore, it has been classified as a Variant of Uncertain Significance.

Women's Health and Genetics/Laboratory Corporation of America, LabCorp
Classification: Uncertain significance. Last evaluated: 2024-10-31. Review status: criteria provided, single submitter. Criteria: LabCorp Variant Classification Summary - May 2015. Collection method: clinical testing. Allele origin: germline.
Comment: Variant summary: COL18A1 c.193G>A (p.Gly65Arg) results in a non-conservative amino acid change located in the Thrombospondin-like, N-terminal domain (IPR048287) of the encoded protein sequence. Two of four in-silico tools predict a benign effect of the variant on protein function. The variant allele was found at a frequency of 8e-06 in 249054 control chromosomes. The available data on variant occurrences in the general population are insufficient to allow any conclusion about variant significance. To our knowledge, no occurrence of c.193G>A in individuals affected with Knobloch Syndrome 1 and no experimental evidence demonstrating its impact on protein function have been reported. ClinVar contains an entry for this variant (Variation ID: 1401575). Based on the evidence outlined above, the variant was classified as uncertain significance.